The following is an entry in ClinVar:

ClinVar aggregate classification (germline): Uncertain significance (1 of 4 stars; one submission).

Conditions:
Fanconi anemia (FA). Also called: Fanconi's anemia. Identifiers: Orphanet 84, MedGen C0015625, MeSH D005199, MONDO:0019391.

gnomAD v4.1: 1 of 1,613,914 alleles (0.000062%); highest among the groups gnomAD compares: South Asian, 0.0011%; no homozygotes.

Submission:

Labcorp Genetics (formerly Invitae), Labcorp
Classification: Uncertain significance for Fanconi anemia. Last evaluated: 2025-10-17. Review status: criteria provided, single submitter. Criteria: Invitae Variant Classification Sherloc (09022015). Collection method: clinical testing. Allele origin: germline.
Comment: This sequence change replaces arginine, which is basic and polar, with lysine, which is basic and polar, at codon 743 of the FANCD2 protein (p.Arg743Lys). This variant is not present in population databases (gnomAD no frequency). This variant has not been reported in the literature in individuals affected with FANCD2-related conditions. Invitae Evidence Modeling of protein sequence and biophysical properties (such as structural, functional, and spatial information, amino acid conservation, physicochemical variation, residue mobility, and thermodynamic stability) indicates that this missense variant is not expected to disrupt FANCD2 protein function with a negative predictive value of 80%. In summary, the available evidence is currently insufficient to determine the role of this variant in disease. Therefore, it has been classified as a Variant of Uncertain Significance.

NM_001018115.3(FANCD2):c.2228G>A (p.Arg743Lys)

Genes: FANCD2 (FA complementation group D2; plus strand), LOC107303338 (3p25 FANCD2 Alu-mediated recombination region; plus strand). Cytogenetic location: 3p25.3.
Variant type: single nucleotide variant.
Coding change: c.2228G>A on transcript NM_001018115.3 (MANE Select); coding-DNA position 2228, G replaced by A.
Protein change: p.Arg743Lys; replaces arginine 743 with lysine.
Molecular consequence: missense variant.
Genome position (GRCh38, 1-based): chr3:10,065,453, G>A. VCF-style: chr3-10065453-G-A. GRCh37 (hg19) VCF-style: chr3-10107137-G-A.
Other names: c.2228G>A, p.Arg743Lys (NM_033084.6, NM_001319984.2, NM_001374254.1); c.2117G>A, p.Arg706Lys (NM_001374253.1); short protein forms R706K, R743K.
Identifiers: ClinVar variation 4771569 (VCV004771569.1).